The following is an entry in ClinVar:

ClinVar aggregate classification (germline): Likely pathogenic (1 of 4 stars; one submission).

Conditions:
SCAPER-related disorder. Also called: SCAPER-related condition.

Submission:

PreventionGenetics, part of Exact Sciences
Classification: Likely pathogenic for SCAPER-related condition. Last evaluated: 2025-12-28. Review status: criteria provided, single submitter. Criteria: ACMG Guidelines, 2015. Collection method: clinical testing. Allele origin: germline.
Comment: The SCAPER c.1952delT variant is predicted to result in premature protein termination (p.Leu651*). To our knowledge, this variant has not been reported in the literature. This variant is reported in 0.00089% of alleles in individuals of European (Non-Finnish) descent in gnomAD. Nonsense variants in SCAPER are expected to be pathogenic. This variant is interpreted as likely pathogenic.

NM_020843.4(SCAPER):c.1934del (p.Lys644_Leu645insTer)

Gene: SCAPER (S-phase cyclin A associated protein in the ER; minus strand). Cytogenetic location: 15q24.3.
Variant type: Deletion.
Coding change: c.1934del on transcript NM_020843.4 (MANE Select); coding-DNA position 1934, one base deleted (T; older notation c.1934delT).
Protein change: p.Lys644_Leu645insTer.
Molecular consequence: nonsense. On other transcripts: non-coding transcript variant (1).
Genome position (GRCh38, 1-based): chr15:76,733,317, A deleted on the plus strand (T on the coding strand, the reverse complement: SCAPER is on the minus strand); the first of 2 consecutive A bases (chr15:76,733,317-76,733,318); deleting either gives the same sequence. VCF-style (leftmost placement, unchanged base first): chr15-76733316-CA-C. GRCh37 (hg19) VCF-style: chr15-77025657-CA-C.
Other names: c.1196del, p.Lys398_Leu399insTer (NM_001145923.2); c.1952del, p.Lys650_Leu651insTer (NM_001353009.2); c.1532del, p.Lys510_Leu511insTer (NM_001353010.2, NM_001353012.2); c.1550del, p.Lys516_Leu517insTer (NM_001353011.2).
Identifiers: ClinVar variation 4980619 (VCV004980619.1).